The following is an entry in ClinVar:

NM_177924.5(ASAH1):c.1042_1045del (p.Asn348fs)

Gene: ASAH1 (N-acylsphingosine amidohydrolase 1; minus strand). Cytogenetic location: 8p22.
Variant type: Deletion.
Coding change: c.1042_1045del on transcript NM_177924.5 (MANE Select); coding-DNA positions 1042 to 1045, 4 bases deleted (AATA; older notation c.1042_1045delAATA).
Protein change: p.Asn348fs; shifts the reading frame from asparagine 348.
Molecular consequence: frameshift variant.
Genome position (GRCh38, 1-based): chr8:18,058,888-18,058,891, TATT deleted on the plus strand (AATA on the coding strand, the reverse complement: ASAH1 is on the minus strand). VCF-style (leftmost placement, unchanged base first): chr8-18058887-ATATT-A. GRCh37 (hg19) VCF-style: chr8-17916396-ATATT-A.
Other names: c.1024_1027del, p.Asn342fs (NM_001127505.3); c.847_850del, p.Asn283fs (NM_001363743.2); c.1090_1093del, p.Asn364fs (NM_004315.6); short protein forms N364fs, N342fs, N283fs, N348fs.
Identifiers: ClinVar variation 2770814 (VCV002770814.3), dbSNP rs2537913430, ClinGen allele CA2697549762.

ClinVar aggregate classification (germline): Pathogenic (1 of 4 stars; one submission).

Submission:

Labcorp Genetics (formerly Invitae), Labcorp
Classification: Pathogenic. Last evaluated: 2023-10-22. Review status: criteria provided, single submitter. Criteria: Invitae Variant Classification Sherloc (09022015). Collection method: clinical testing. Allele origin: germline.
Comment: This sequence change creates a premature translational stop signal (p.Asn348Serfs*19) in the ASAH1 gene. While this is not anticipated to result in nonsense mediated decay, it is expected to disrupt the last 48 amino acid(s) of the ASAH1 protein. This variant is not present in population databases (gnomAD no frequency). This variant has not been reported in the literature in individuals affected with ASAH1-related conditions. Algorithms developed to predict the effect of sequence changes on RNA splicing suggest that this variant may disrupt the consensus splice site. This variant disrupts a region of the ASAH1 protein in which other variant(s) (p.Pro362Arg) have been determined to be pathogenic (PMID: 10610716, 24164096). This suggests that this is a clinically significant region of the protein, and that variants that disrupt it are likely to be disease-causing. For these reasons, this variant has been classified as Pathogenic.

Literature cited by the submitters: PubMed 10610716; PubMed 24164096.